The following is an entry in ClinVar:

ClinVar aggregate classification (germline): Uncertain significance (1 of 4 stars; one submission).

Conditions:
Noonan syndrome 9 (NS9). Identifiers: Orphanet 648, MedGen C4225282, MONDO:0014691, OMIM 616559.

Allele frequency attached by ClinVar (database versions not stated): gnomAD exomes below 0.00001.
gnomAD v4.1: 1 of 1,607,218 alleles (0.000062%); highest among the groups gnomAD compares: African/African-American, 0.0014%; no homozygotes.

Submission:

Labcorp Genetics (formerly Invitae), Labcorp
Classification: Uncertain significance for Noonan syndrome 9. Last evaluated: 2025-07-13. Review status: criteria provided, single submitter. Criteria: Invitae Variant Classification Sherloc (09022015). Collection method: clinical testing. Allele origin: germline.
Comment: This sequence change replaces alanine, which is neutral and non-polar, with threonine, which is neutral and polar, at codon 1195 of the SOS2 protein (p.Ala1195Thr). This variant is not present in population databases (gnomAD no frequency). This variant has not been reported in the literature in individuals affected with SOS2-related conditions. ClinVar contains an entry for this variant (Variation ID: 2048020). Invitae Evidence Modeling of protein sequence and biophysical properties (such as structural, functional, and spatial information, amino acid conservation, physicochemical variation, residue mobility, and thermodynamic stability) indicates that this missense variant is not expected to disrupt SOS2 protein function with a negative predictive value of 95%. In summary, the available evidence is currently insufficient to determine the role of this variant in disease. Therefore, it has been classified as a Variant of Uncertain Significance.

NM_006939.4(SOS2):c.3583G>A (p.Ala1195Thr)

Gene: SOS2 (SOS Ras/Rho guanine nucleotide exchange factor 2; minus strand). Cytogenetic location: 14q21.3.
Variant type: single nucleotide variant.
Coding change: c.3583G>A on transcript NM_006939.4 (MANE Select); coding-DNA position 3583, G replaced by A.
Protein change: p.Ala1195Thr; replaces alanine 1195 with threonine.
Molecular consequence: missense variant.
Genome position (GRCh38, 1-based): chr14:50,118,760, C>T on the plus strand (G>A on the coding strand, the complement: SOS2 is on the minus strand). VCF-style: chr14-50118760-C-T. GRCh37 (hg19) VCF-style: chr14-50585478-C-T.
Other names: c.3484G>A, p.Ala1162Thr (NM_001411020.1); short protein forms A1195T, A1162T.
Identifiers: ClinVar variation 2048020 (VCV002048020.4), dbSNP rs2502758751, ClinGen allele CA389638625.